The following is an entry in ClinVar:

NM_004260.4(RECQL4):c.3223C>T (p.Gln1075Ter)

Gene: RECQL4 (RecQ like helicase 4; minus strand). Cytogenetic location: 8q24.3.
Variant type: single nucleotide variant.
Coding change: c.3223C>T on transcript NM_004260.4 (MANE Select); coding-DNA position 3223, C replaced by T.
Protein change: p.Gln1075Ter; replaces glutamine 1075 with a stop codon.
Molecular consequence: nonsense.
Genome position (GRCh38, 1-based): chr8:144,512,157, G>A on the plus strand (C>T on the coding strand, the complement: RECQL4 is on the minus strand). VCF-style: chr8-144512157-G-A. GRCh37 (hg19) VCF-style: chr8-145737540-G-A.
Other names: short protein forms Q1075*.
Identifiers: ClinVar variation 1075387 (VCV001075387.5), dbSNP rs1319295020, ClinGen allele CA372669719.

ClinVar aggregate classification (germline): Pathogenic (1 of 4 stars; one submission).

Conditions:
Baller-Gerold syndrome (BGS). Also called: CRANIOSYNOSTOSIS WITH RADIAL DEFECTS. Identifiers: Orphanet 1225, MedGen C0265308, MONDO:0009039, OMIM 218600.

Allele frequency attached by ClinVar (database versions not stated): TOPMed below 0.00001; gnomAD exomes 0.00001.
gnomAD v4.1: 12 of 1,609,458 alleles (0.00075%); highest among the groups gnomAD compares: Non-Finnish European, 0.001%; no homozygotes.

Submission:

Labcorp Genetics (formerly Invitae), Labcorp
Classification: Pathogenic for Baller-Gerold syndrome. Last evaluated: 2025-02-17. Review status: criteria provided, single submitter. Criteria: Invitae Variant Classification Sherloc (09022015). Collection method: clinical testing. Allele origin: germline.
Comment: This sequence change creates a premature translational stop signal (p.Gln1075*) in the RECQL4 gene. It is expected to result in an absent or disrupted protein product. Loss-of-function variants in RECQL4 are known to be pathogenic (PMID: 12734318, 12952869). This variant is not present in population databases (gnomAD no frequency). This variant has not been reported in the literature in individuals affected with RECQL4-related conditions. ClinVar contains an entry for this variant (Variation ID: 1075387). For these reasons, this variant has been classified as Pathogenic.

Literature cited by the submitters: PubMed 12734318; PubMed 12952869.